The following is an entry in ClinVar:

ClinVar aggregate classification (germline): Uncertain significance. Review status: criteria provided, multiple submitters, no conflicts (2 of 4 stars). 3 submissions from 3 submitters: Uncertain significance (3). Last evaluated 2025-03-17.

Conditions:
LOXL3-related disorder. Also called: LOXL3-related condition.

Allele frequency attached by ClinVar (database versions not stated): ExAC 0.00001.
gnomAD v4.1: 24 of 1,614,038 alleles (0.0015%); highest among the groups gnomAD compares: Middle Eastern, 0.016%; no homozygotes.

Submissions (3):

PreventionGenetics, part of Exact Sciences
Classification: Uncertain significance for LOXL3-related condition. Last evaluated: 2025-03-17. Review status: criteria provided, single submitter. Criteria: ACMG Guidelines, 2015. Collection method: clinical testing. Allele origin: germline.
Comment: The LOXL3 c.404C>T variant is predicted to result in the amino acid substitution p.Thr135Met. To our knowledge, this variant has not been reported in the literature. This variant is reported in 0.0087% of alleles in individuals of Latino descent in gnomAD. At this time, the clinical significance of this variant is uncertain due to the absence of conclusive functional and genetic evidence.

Ambry Genetics
Classification: Uncertain significance. Last evaluated: 2024-08-12. Review status: criteria provided, single submitter. Criteria: Ambry Variant Classification Scheme 2023. Collection method: clinical testing. Allele origin: germline.

Labcorp Genetics (formerly Invitae), Labcorp
Classification: Uncertain significance. Last evaluated: 2022-08-16. Review status: criteria provided, single submitter. Criteria: Invitae Variant Classification Sherloc (09022015). Collection method: clinical testing. Allele origin: germline.
Comment: This variant is present in population databases (rs762811068, gnomAD 0.009%). This sequence change replaces threonine, which is neutral and polar, with methionine, which is neutral and non-polar, at codon 135 of the LOXL3 protein (p.Thr135Met). This variant has not been reported in the literature in individuals affected with LOXL3-related conditions. ClinVar contains an entry for this variant (Variation ID: 1444378). In summary, the available evidence is currently insufficient to determine the role of this variant in disease. Therefore, it has been classified as a Variant of Uncertain Significance. Algorithms developed to predict the effect of missense changes on protein structure and function are either unavailable or do not agree on the potential impact of this missense change (SIFT: "Deleterious"; PolyPhen-2: "Probably Damaging"; Align-GVGD: "Class C15").

NM_032603.5(LOXL3):c.404C>T (p.Thr135Met)

Genes: DOK1 (docking protein 1; plus strand), LOXL3 (lysyl oxidase like 3; minus strand). Cytogenetic location: 2p13.1.
Variant type: single nucleotide variant.
Coding change: c.404C>T on transcript NM_032603.5 (MANE Select); coding-DNA position 404, C replaced by T.
Protein change: p.Thr135Met; replaces threonine 135 with methionine.
Molecular consequence: missense variant. On other transcripts: intron variant (1).
Genome position (GRCh38, 1-based): chr2:74,550,258, G>A on the plus strand (C>T on the coding strand, the complement: LOXL3 is on the minus strand). VCF-style: chr2-74550258-G-A. GRCh37 (hg19) VCF-style: chr2-74777385-G-A.
Other names: c.404C>T, p.Thr135Met (NM_001289164.3); c.-358+1086G>A (NM_001197260.2); short protein forms T135M.
Identifiers: ClinVar variation 1444378 (VCV001444378.8), dbSNP rs762811068, ClinGen allele CA1729195.